The following is an entry in ClinVar:

NM_014244.5(ADAMTS2):c.1849G>A (p.Asp617Asn)

Gene: ADAMTS2 (ADAM metallopeptidase with thrombospondin type 1 motif 2; minus strand). Cytogenetic location: 5q35.3.
Variant type: single nucleotide variant.
Coding change: c.1849G>A on transcript NM_014244.5 (MANE Select); coding-DNA position 1849, G replaced by A.
Protein change: p.Asp617Asn; replaces aspartic acid 617 with asparagine.
Molecular consequence: missense variant.
Genome position (GRCh38, 1-based): chr5:179,137,871, C>T on the plus strand (G>A on the coding strand, the complement: ADAMTS2 is on the minus strand). VCF-style: chr5-179137871-C-T. GRCh37 (hg19) VCF-style: chr5-178564872-C-T.
Other names: c.1849G>A (NM_014244.4); short protein forms D617N.
Identifiers: ClinVar variation 2009126 (VCV002009126.2), dbSNP rs1041220305, ClinGen allele CA133038747.
Genomic context (GRCh38, chr5:179,137,871, plus strand): 5'-CGTGCTCGAAGTACAGGTCCCACTGGCGGCACTGCTCCTCGCGGAAGTCAGCCAGGGAGT[C>T]GGGGCAGTCCTGGCGGCTGCAGAGCTGGAAGTCGTAGGCAAGGCCCGAGCAGGTGCGGCC-3'
Protein context (NP_055059.2, residues 607-627): FQLCSRQDCP[Asp617Asn]SLADFREEQC

ClinVar aggregate classification (germline): Uncertain significance. Review status: criteria provided, multiple submitters, no conflicts (2 of 4 stars). 2 submissions from 2 submitters: Uncertain significance (2). Last evaluated 2024-08-01.

Conditions:
Inborn genetic diseases. Identifiers: MedGen C0950123, MeSH D030342.
Ehlers-Danlos syndrome, dermatosparaxis type. Also called: Ehlers-Danlos syndrome, type VII, autosomal recessive; EDS VIIC; Dermatosparaxis. Identifiers: Orphanet 1901, MedGen C2700425, MONDO:0009161, OMIM 225410.

Allele frequency attached by ClinVar (database versions not stated): gnomAD exomes 0.00001.
gnomAD v4.1: 7 of 1,561,360 alleles (0.00045%); highest among the groups gnomAD compares: East Asian, 0.0024%; no homozygotes.

Submissions (2):

Ambry Genetics
Classification: Uncertain significance for Inborn genetic diseases. Last evaluated: 2024-08-01. Review status: criteria provided, single submitter. Criteria: Ambry Variant Classification Scheme 2023. Collection method: clinical testing. Allele origin: germline.

Labcorp Genetics (formerly Invitae), Labcorp
Classification: Uncertain significance for Ehlers-Danlos syndrome, dermatosparaxis type. Last evaluated: 2022-08-10. Review status: criteria provided, single submitter. Criteria: Invitae Variant Classification Sherloc (09022015). Collection method: clinical testing. Allele origin: germline.
Comment: This sequence change replaces aspartic acid, which is acidic and polar, with asparagine, which is neutral and polar, at codon 617 of the ADAMTS2 protein (p.Asp617Asn). The frequency data for this variant in the population databases is considered unreliable, as metrics indicate poor data quality at this position in the gnomAD database. This variant has not been reported in the literature in individuals affected with ADAMTS2-related conditions. Algorithms developed to predict the effect of missense changes on protein structure and function output the following: SIFT: "Tolerated"; PolyPhen-2: "Benign"; Align-GVGD: "Class C0". The asparagine amino acid residue is found in multiple mammalian species, which suggests that this missense change does not adversely affect protein function. In summary, the available evidence is currently insufficient to determine the role of this variant in disease. Therefore, it has been classified as a Variant of Uncertain Significance.